The following is an entry in ClinVar:

ClinVar aggregate classification (germline): Uncertain significance (1 of 4 stars; one submission).

Conditions:
DICER1-related tumor predisposition. Also called: DICER1 syndrome; DICER1-related pleuropulmonary blastoma cancer predisposition syndrome. Identifiers: Orphanet 284343, MedGen C3839822, MONDO:0100216.

Submission:

Labcorp Genetics (formerly Invitae), Labcorp
Classification: Uncertain significance for DICER1-related tumor predisposition. Last evaluated: 2022-03-28. Review status: criteria provided, single submitter. Criteria: Invitae Variant Classification Sherloc (09022015). Collection method: clinical testing. Allele origin: germline.
Comment: In summary, the available evidence is currently insufficient to determine the role of this variant in disease. Therefore, it has been classified as a Variant of Uncertain Significance. Algorithms developed to predict the effect of missense changes on protein structure and function are either unavailable or do not agree on the potential impact of this missense change (SIFT: "Tolerated"; PolyPhen-2: "Possibly Damaging"; Align-GVGD: "Class C0"). This variant has not been reported in the literature in individuals affected with DICER1-related conditions. This variant is not present in population databases (gnomAD no frequency). This sequence change replaces aspartic acid, which is acidic and polar, with histidine, which is basic and polar, at codon 1437 of the DICER1 protein (p.Asp1437His).

NM_177438.3(DICER1):c.4309G>C (p.Asp1437His)

Gene: DICER1 (dicer 1, ribonuclease III; minus strand). Cytogenetic location: 14q32.13.
Variant type: single nucleotide variant.
Coding change: c.4309G>C on transcript NM_177438.3 (MANE Select); coding-DNA position 4309, G replaced by C.
Protein change: p.Asp1437His; replaces aspartic acid 1437 with histidine.
Molecular consequence: missense variant. On other transcripts: non-coding transcript variant (6).
Genome position (GRCh38, 1-based): chr14:95,096,611, C>G on the plus strand (G>C on the coding strand, the complement: DICER1 is on the minus strand). VCF-style: chr14-95096611-C-G. GRCh37 (hg19) VCF-style: chr14-95562948-C-G.
Other names: c.4309G>C, p.Asp1437His (NM_001195573.1, NM_001271282.3, NM_001291628.2 and 13 more transcripts); c.4027G>C, p.Asp1343His (NM_001395686.1); c.3904G>C, p.Asp1302His (NM_001395687.1, NM_001395688.1, NM_001395689.1 and 2 more transcripts); c.3742G>C, p.Asp1248His (NM_001395691.1); c.2626G>C, p.Asp876His (NM_001395697.1); short protein forms D1437H, D1248H, D1343H, D1302H, D876H.
Identifiers: ClinVar variation 2118653 (VCV002118653.4), dbSNP rs1595342200, ClinGen allele CA390869419.
Genomic context (GRCh38, chr14:95,096,611, plus strand): 5'-ACATATTATCTATAAATCTGATATGTTCCTGATCATACTCCAGGAAATCATCTTCATAGT[C>G]AGCCTCTTCCTTCGGAGCCCTCCACATCAGGCTCTCCTCCTCCTCATCCTCCTCCTCGTA-3'
Protein context (NP_803187.1, residues 1427-1447): LMWRAPKEEA[Asp1437His]YEDDFLEYDQ